The following is an entry in ClinVar:

NM_000781.3(CYP11A1):c.826A>T (p.Lys276Ter)

Gene: CYP11A1 (cytochrome P450 family 11 subfamily A member 1; minus strand). Cytogenetic location: 15q24.1.
Variant type: single nucleotide variant.
Coding change: c.826A>T on transcript NM_000781.3 (MANE Select); coding-DNA position 826, A replaced by T.
Protein change: p.Lys276Ter; replaces lysine 276 with a stop codon.
Molecular consequence: nonsense.
Genome position (GRCh38, 1-based): chr15:74,343,792, T>A on the plus strand (A>T on the coding strand, the complement: CYP11A1 is on the minus strand). VCF-style: chr15-74343792-T-A. GRCh37 (hg19) VCF-style: chr15-74636133-T-A.
Other names: c.352A>T, p.Lys118Ter (NM_001099773.2); short protein forms K118*, K276*.
Identifiers: ClinVar variation 5012965 (VCV005012965.1).

ClinVar aggregate classification (germline): Pathogenic (1 of 4 stars; one submission).

Conditions:
Congenital adrenal insufficiency with 46, XY sex reversal OR 46,XY disorder of sex development-adrenal insufficiency due to CYP11A1 deficiency. Also called: P450scc DEFICIENCY; Congenital adrenal insuffiency with 46, XY sex reversal OR 46,XY disorder of sex development-adrenal insufficiency due to CYP11A1 deficiency. Identifiers: Orphanet 168558, MedGen C3151055, MONDO:0013400, OMIM 613743.

Submission:

Myriad Genetics, Inc.
Classification: Pathogenic for Congenital adrenal insufficiency with 46, XY sex reversal OR 46,XY disorder of sex development-adrenal insufficiency due to CYP11A1 deficiency. Last evaluated: 2024-04-27. Review status: criteria provided, single submitter. Criteria: Myriad Autosomal Dominant, Autosomal Recessive and X-Linked Classification Criteria (2023). Collection method: clinical testing. Allele origin: unknown.
Comment: NM_000781.2(CYP11A1):c.826A>T(K276*) is expected to be pathogenic in the context of congenital adrenal hyperplasia, CYP11A1-related. This variant is predicted to lead to an abnormal or absent protein product due to the creation of a premature termination codon in CYP11A1, a gene where loss-of-function variants are known to be pathogenic. Please note: this variant was assessed in the context of healthy population screening.